The following is an entry in ClinVar:

NM_005228.5(EGFR):c.2272G>A (p.Glu758Lys)

Gene: EGFR (epidermal growth factor receptor; plus strand). Cytogenetic location: 7p11.2.
Variant type: single nucleotide variant.
Coding change: c.2272G>A on transcript NM_005228.5 (MANE Select); coding-DNA position 2272, G replaced by A.
Protein change: p.Glu758Lys; replaces glutamic acid 758 with lysine.
Molecular consequence: missense variant.
Genome position (GRCh38, 1-based): chr7:55,174,809, G>A. VCF-style: chr7-55174809-G-A. GRCh37 (hg19) VCF-style: chr7-55242502-G-A.
Other names: c.2137G>A, p.Glu713Lys (NM_001346897.2, NM_001346899.2); c.2272G>A, p.Glu758Lys (NM_001346898.2); c.2113G>A, p.Glu705Lys (NM_001346900.2); c.1471G>A, p.Glu491Lys (NM_001346941.2); short protein forms E491K, E705K, E713K, E758K.
Identifiers: ClinVar variation 4533081 (VCV004533081.1).

ClinVar aggregate classification (germline): Uncertain significance (1 of 4 stars; one submission).

gnomAD v4.1: 1 of 1,613,926 alleles (0.000062%); highest among the groups gnomAD compares: Non-Finnish European, 0.000085%; no homozygotes.

Submission:

Quest Diagnostics Nichols Institute San Juan Capistrano
Classification: Uncertain significance. Last evaluated: 2025-04-10. Review status: criteria provided, single submitter. Criteria: Quest Diagnostics criteria. Collection method: clinical testing. Allele origin: unknown.
Comment: The EGFR c.2272G>A (p.Glu758Lys) variant has been reported in the published literature in the somatic state in individuals with melanoma (PMID: 29141224 (2017)), non-small cell lung cancer (PMID: 29434916 (2018), 37769218 (2023)), colorectal cancer (PMID: 33020649 (2020), 29698444 (2018)), and head and neck squamous cell carcinoma (PMID: 26677030 (2016)). This variant has not been reported in large, multi-ethnic general populations (Genome Aggregation Database). Analysis of this variant using bioinformatics tools for the prediction of the effect of amino acid changes on protein structure and function yielded predictions that this variant is damaging. Based on the available information, we are unable to determine the clinical significance of this variant.

Literature cited by the submitters: PubMed 29141224; PubMed 33020649; PubMed 37769218; PubMed 29434916; PubMed 37168365; PubMed 29698444; PubMed 26677030.